The following is an entry in ClinVar:

NM_001122955.4(BSCL2):c.359A>T (p.Tyr120Phe)

Genes: BSCL2 (BSCL2 lipid droplet biogenesis associated, seipin; minus strand), HNRNPUL2-BSCL2 (HNRNPUL2-BSCL2 readthrough (NMD candidate); minus strand). Cytogenetic location: 11q12.3.
Variant type: single nucleotide variant.
Coding change: c.359A>T on transcript NM_001122955.4 (MANE Select); coding-DNA position 359, A replaced by T.
Protein change: p.Tyr120Phe; replaces tyrosine 120 with phenylalanine.
Molecular consequence: missense variant. On other transcripts: non-coding transcript variant (1).
Genome position (GRCh38, 1-based): chr11:62,705,346, T>A on the plus strand (A>T on the coding strand, the complement: BSCL2 is on the minus strand). VCF-style: chr11-62705346-T-A. GRCh37 (hg19) VCF-style: chr11-62472818-T-A.
Other names: c.167A>T, p.Tyr56Phe (NM_001130702.2, NM_032667.6); c.359A>T, p.Tyr120Phe (NM_001386027.1, NM_001386028.1); short protein forms Y120F, Y56F.
Identifiers: ClinVar variation 1344241 (VCV001344241.11), dbSNP rs370905417, ClinGen allele CA380970400.

ClinVar aggregate classification (germline): Uncertain significance. Review status: criteria provided, multiple submitters, no conflicts (2 of 4 stars). 3 submissions from 3 submitters: Uncertain significance (3). Last evaluated 2022-07-06.

Conditions:
Charcot-Marie-Tooth disease type 2. Also called: Charcot-Marie-Tooth type 2. Identifiers: Orphanet 64746, MedGen C0270914, MONDO:0018993.
Hereditary spastic paraplegia. Also called: Familial spastic paraparesis. Identifiers: Orphanet 685, MedGen C0037773, MONDO:0019064. Disease mechanism: loss of function.
Inborn genetic diseases. Identifiers: MedGen C0950123, MeSH D030342.

gnomAD v4.1: 24 of 1,613,804 alleles (0.0015%); highest among the groups gnomAD compares: Non-Finnish European, 0.0019%; no homozygotes.

Submissions (3):

Labcorp Genetics (formerly Invitae), Labcorp
Classification: Uncertain significance for Charcot-Marie-Tooth disease type 2. Last evaluated: 2022-07-06. Review status: criteria provided, single submitter. Criteria: Invitae Variant Classification Sherloc (09022015). Collection method: clinical testing. Allele origin: germline.
Comment: This variant is present in population databases (no rsID available, gnomAD 0.0009%). This variant has not been reported in the literature in individuals affected with BSCL2-related conditions. ClinVar contains an entry for this variant (Variation ID: 1344241). Algorithms developed to predict the effect of missense changes on protein structure and function are either unavailable or do not agree on the potential impact of this missense change (SIFT: "Deleterious"; PolyPhen-2: "Possibly Damaging"; Align-GVGD: "Class C15"). In summary, the available evidence is currently insufficient to determine the role of this variant in disease. Therefore, it has been classified as a Variant of Uncertain Significance. This sequence change replaces tyrosine, which is neutral and polar, with phenylalanine, which is neutral and non-polar, at codon 56 of the BSCL2 protein (p.Tyr56Phe).

Genome Diagnostics Laboratory, The Hospital for Sick Children
Classification: Uncertain significance for Hereditary spastic paraplegia. Last evaluated: 2021-11-15. Review status: criteria provided, single submitter. Criteria: ACMG Guidelines, 2015. Collection method: clinical testing. Allele origin: germline. Affected: yes.

Ambry Genetics
Classification: Uncertain significance for Inborn genetic diseases. Last evaluated: 2020-03-22. Review status: criteria provided, single submitter. Criteria: Ambry Variant Classification Scheme 2023. Collection method: clinical testing. Allele origin: germline.
Comment: The p.Y56F variant (also known as c.167A>T), located in coding exon 1 of the BSCL2 gene, results from an A to T substitution at nucleotide position 167. The tyrosine at codon 56 is replaced by phenylalanine, an amino acid with highly similar properties. This amino acid position is highly conserved in available vertebrate species. In addition, the in silico prediction for this alteration is inconclusive. Since supporting evidence is limited at this time, the clinical significance of this alteration remains unclear.